The following is an entry in ClinVar:

NM_012431.3(SEMA3E):c.1680A>G (p.Arg560=)

Gene: SEMA3E (semaphorin 3E; minus strand). Cytogenetic location: 7q21.11.
Variant type: single nucleotide variant.
Coding change: c.1680A>G on transcript NM_012431.3 (MANE Select); coding-DNA position 1680, A replaced by G.
Protein change: p.Arg560=; no amino-acid change (arginine 560 retained).
Molecular consequence: synonymous variant.
Genome position (GRCh38, 1-based): chr7:83,387,038, T>C on the plus strand (A>G on the coding strand, the complement: SEMA3E is on the minus strand). VCF-style: chr7-83387038-T-C. GRCh37 (hg19) VCF-style: chr7-83016354-T-C.
Other names: c.1500A>G, p.Arg500= (NM_001178129.2).
Identifiers: ClinVar variation 529142 (VCV000529142.26), dbSNP rs186628513, ClinGen allele CA4321936.

ClinVar aggregate classification (germline): Benign/Likely benign. Review status: criteria provided, multiple submitters, no conflicts (2 of 4 stars). 5 submissions from 5 submitters: Benign (1); Likely benign (4). Last evaluated 2025-11-27.

Conditions:
Hypogonadotropic hypogonadism 7 with or without anosmia (HH7). Also called: HYPOGONADOTROPIC HYPOGONADISM 7 WITHOUT ANOSMIA; GNRHR-Related GnRH Deficiency. Identifiers: Orphanet 432, MedGen C0342384, MONDO:0007794, OMIM 146110.
CHARGE syndrome (CHARGE). Also called: Hittner Hirsch Kreh syndrome; Coloboma, heart anomaly, choanal atresia, retardation, genital and ear anomalies; CHARGE association; Hall-Hittner syndrome; CHARGE ASSOCIATION--COLOBOMA, HEART ANOMALY, CHOANAL ATRESIA, RETARDATION, GENITAL AND EAR ANOMALIES. Identifiers: Orphanet 138, MedGen C0265354, MONDO:0008965.

Allele frequency attached by ClinVar (database versions not stated): TOPMed 0.00028; gnomAD exomes 0.00046 and 0.00093; gnomAD 0.00056 and 0.00063; ExAC 0.00101; 1000 Genomes Project 30x 0.00125; 1000 Genomes Project 0.00140.
gnomAD v4.1: 784 of 1,613,252 alleles (0.049%); highest among the groups gnomAD compares: East Asian, 0.4%; 3 homozygotes.

Submissions (6):

Labcorp Genetics (formerly Invitae), Labcorp
Classification: Benign for CHARGE syndrome. Last evaluated: 2025-11-27. Review status: criteria provided, single submitter. Criteria: Invitae Variant Classification Sherloc (09022015). Collection method: clinical testing. Allele origin: germline.

CeGaT Center for Human Genetics Tuebingen
Classification: Likely benign. Last evaluated: 2025-05-01. Review status: criteria provided, single submitter. Criteria: CeGaT Center For Human Genetics Tuebingen Variant Classification Criteria Version 2. Collection method: clinical testing. Allele origin: germline. Affected: yes. Observed: 1 variant allele.
Comment: SEMA3E: BP4, BP7

Blueprint Genetics
Classification: Likely benign. Last evaluated: 2024-11-23. Review status: criteria provided, single submitter. Criteria: ACMG Guidelines, 2015. Collection method: clinical testing. Allele origin: germline.

Fulgent Genetics
Classification: Likely benign for Hypogonadotropic hypogonadism 7 with or without anosmia; CHD7-related CHARGE syndrome. Last evaluated: 2021-08-10. Review status: criteria provided, single submitter. Criteria: ACMG Guidelines, 2015. Collection method: clinical testing. Allele origin: unknown.

GeneDx
Classification: Likely benign. Last evaluated: 2021-03-30. Review status: criteria provided, single submitter. Criteria: GeneDx Variant Classification Process June 2021. Collection method: clinical testing. Allele origin: germline. Affected: yes.

Dr. Peter K. Rogan Lab, Western University
No classification provided (evidence only). Condition: Malignant tumor of esophagus. Review status: no classification provided. Collection method: in vitro. Allele origin: not applicable. Functional consequence: retained intron. Not counted in ClinVar's aggregate classification.